The following is an entry in ClinVar:

NM_000179.3(MSH6):c.3941A>C (p.Gln1314Pro)

Gene: MSH6 (mutS homolog 6; plus strand). Cytogenetic location: 2p16.3.
Variant type: single nucleotide variant.
Coding change: c.3941A>C on transcript NM_000179.3 (MANE Select); coding-DNA position 3941, A replaced by C.
Protein change: p.Gln1314Pro; replaces glutamine 1314 with proline.
Molecular consequence: missense variant. On other transcripts: non-coding transcript variant (5), intron variant (1).
Genome position (GRCh38, 1-based): chr2:47,806,591, A>C. VCF-style: chr2-47806591-A-C. GRCh37 (hg19) VCF-style: chr2-48033730-A-C.
Other names: c.3551A>C, p.Gln1184Pro (NM_001281492.2); c.3035A>C, p.Gln1012Pro (NM_001281493.2, NM_001281494.2, NM_001406811.1 and 6 more transcripts); c.4037A>C, p.Gln1346Pro (NM_001406795.1); c.3941A>C, p.Gln1314Pro (NM_001406796.1, NM_001406808.1, NM_001406809.1); c.3644A>C, p.Gln1215Pro (NM_001406797.1, NM_001406801.1, NM_001406805.1 and 10 more transcripts); c.3767A>C, p.Gln1256Pro (NM_001406798.1); c.3416A>C, p.Gln1139Pro (NM_001406799.1, NM_001406806.1, NM_001406807.1); c.3928A>C, p.Lys1310Gln (NM_001406800.1); and 9 more; short protein forms Q1026P, Q1139P, Q1215P, Q1288P, Q241P, Q263P, K1310Q, Q1012P.
Identifiers: ClinVar variation 5024903 (VCV005024903.1).

ClinVar aggregate classification (germline): Uncertain significance (1 of 4 stars; one submission).

Conditions:
Hereditary cancer-predisposing syndrome. Also called: Neoplastic Syndromes, Hereditary; Tumor predisposition; Hereditary neoplastic syndrome; Hereditary Cancer Syndrome. Identifiers: Orphanet 140162, MedGen C0027672, MeSH D009386, MONDO:0015356.

Submission:

Ambry Genetics
Classification: Uncertain significance for Hereditary cancer-predisposing syndrome. Last evaluated: 2026-07-07. Review status: criteria provided, single submitter. Criteria: Ambry Variant Classification Scheme 2023. Collection method: clinical testing. Allele origin: germline.
Comment: The p.Q1314P variant (also known as c.3941A>C), located in coding exon 9 of the MSH6 gene, results from an A to C substitution at nucleotide position 3941. The glutamine at codon 1314 is replaced by proline, an amino acid with similar properties. This amino acid position is conserved. In addition, this alteration is predicted to be deleterious by in silico analysis. Based on the available evidence, the clinical significance of this variant remains unclear.